The following is an entry in ClinVar:

NM_001184880.2(PCDH19):c.825C>A (p.Tyr275Ter)

Gene: PCDH19 (protocadherin 19; minus strand). Cytogenetic location: Xq22.1.
Variant type: single nucleotide variant.
Coding change: c.825C>A on transcript NM_001184880.2 (MANE Select); coding-DNA position 825, C replaced by A.
Protein change: p.Tyr275Ter; replaces tyrosine 275 with a stop codon.
Molecular consequence: nonsense.
Genome position (GRCh38, 1-based): chrX:100,407,773, G>T on the plus strand (C>A on the coding strand, the complement: PCDH19 is on the minus strand). VCF-style: chrX-100407773-G-T. GRCh37 (hg19) VCF-style: chrX-99662771-G-T.
Other names: c.825C>A, p.Tyr275Ter (NM_001105243.2, NM_020766.3); short protein forms Y275*.
Identifiers: ClinVar variation 379858 (VCV000379858.2), dbSNP rs1057520761, ClinGen allele CA16608688.
Genomic context (GRCh38, chrX:100,407,773, plus strand): 5'-ACTGTGCGGGTCGATCTGAAAGAGCTCGCGCGTGCGGTCGTTGACGTAGCCATAGAAGGA[G>T]TAGACCACCTGGCCGTTGGTGCCCTCGTCTGGATCGCTGGCGTTGAGGCGGATGACGGGT-3'

ClinVar aggregate classification (germline): Pathogenic (1 of 4 stars; one submission).

Submission:

GeneDx
Classification: Pathogenic. Last evaluated: 2015-05-28. Review status: criteria provided, single submitter. Criteria: GeneDx Variant Classification (06012015). Collection method: clinical testing. Allele origin: germline. Affected: yes.
Comment: The Y275X nonsense variant in the PCDH19 gene is predicted to cause loss of normal protein functioneither through protein truncation or nonsense-mediated mRNA decay. It was not observed inapproximately 6,500 individuals of European and African American ancestry in the NHLBI ExomeSequencing Project, indicating it is not a common benign variant in these populations. Although thisvariant has not been reported previously to our knowledge, we consider it to be pathogenic.